The following is an entry in ClinVar:

ClinVar aggregate classification (germline): Pathogenic (1 of 4 stars; one submission).

Submission:

GeneDx
Classification: Pathogenic. Last evaluated: 2013-10-28. Review status: criteria provided, single submitter. Criteria: GeneDx Variant Classification (06012015). Collection method: clinical testing. Allele origin: germline. Affected: yes.
Comment: The c.-6_24del30 mutation in the JAG1 gene causes a deletion of 30 nucleotides that starts six nucleotides prior to the ATG initiation codon, includes the start codon, and continues to include an additional 21 nucleotides. As this deletion eliminates the start codon, this mutation is predicted to prevent translation of this JAG1 allele. Although this mutation has not been previously reported , its presence is consistent with a diagnosis of Alagille syndrome. This variant was found in JAG1

NM_000214.3(JAG1):c.-6_24del (p.Met1_Gly8del)

Gene: JAG1 (jagged canonical Notch ligand 1; minus strand). Cytogenetic location: 20p12.2.
Variant type: Deletion.
Coding change: c.-6_24del on transcript NM_000214.3 (MANE Select); 6 bases upstream of the start codon through coding-DNA position 24, 30 bases deleted (GCAGCGATGCGTTCCCCACGGACGCGCGGC).
Protein change: p.Met1_Gly8del.
Molecular consequence: inframe deletion, initiator codon variant.
Genome position (GRCh38, 1-based): chr20:10,673,507-10,673,536, GCCGCGCGTCCGTGGGGAACGCATCGCTGC deleted on the plus strand (GCAGCGATGCGTTCCCCACGGACGCGCGGC on the coding strand, the reverse complement: JAG1 is on the minus strand); deleting any 30 consecutive bases within chr20:10,673,507-10,673,544 gives the same sequence; the c. name uses the placement nearest the transcript's 3' end. VCF-style (leftmost placement, unchanged base first): chr20-10673506-GGCCGCGCGTCCGTGGGGAACGCATCGCTGC-G. GRCh37 (hg19) VCF-style: chr20-10654154-GGCCGCGCGTCCGTGGGGAACGCATCGCTGC-G.
Other names: c.-6_24delGCAGCGATGCGTTCCCCACGGACGCGCGGC (NM_000214.2); c.-6_24del, p.Met1_Gly8del (LRG_1191t1).
Identifiers: ClinVar variation 213547 (VCV000213547.2), dbSNP rs863223661, ClinGen allele CA322383.
Genomic context (GRCh38, chr20:10,673,506, plus strand): 5'-CTACCTTGGCTCGCAGGGCACAGAGCAGGGCGAGCAGGAGGCTTAGGGGGCGCCCGGACC[GGCCGCGCGTCCGTGGGGAACGCATCGCTGC>G]GCCGCGCGCCGCGGGCACTCGGGACGCCGCCGCTGCTGTTCGCGCTGGTGCTGCCGCCGG-3'